The following is an entry in ClinVar:

NM_032383.5(HPS3):c.158A>G (p.Gln53Arg)

Gene: HPS3 (HPS3 biogenesis of lysosomal organelles complex 2 subunit 1; plus strand). Cytogenetic location: 3q24.
Variant type: single nucleotide variant.
Coding change: c.158A>G on transcript NM_032383.5 (MANE Select); coding-DNA position 158, A replaced by G.
Protein change: p.Gln53Arg; replaces glutamine 53 with arginine.
Molecular consequence: missense variant.
Genome position (GRCh38, 1-based): chr3:149,129,881, A>G. VCF-style: chr3-149129881-A-G. GRCh37 (hg19) VCF-style: chr3-148847668-A-G.
Other names: c.158A>G, p.Gln53Arg (NM_001308258.2); short protein forms Q53R.
Identifiers: ClinVar variation 343690 (VCV000343690.16), dbSNP rs199663930, ClinGen allele CA2659727.

ClinVar aggregate classification (germline): Benign. Review status: criteria provided, multiple submitters, no conflicts (2 of 4 stars). 3 submissions from 3 submitters: Benign (2). 1 of the submissions does not count toward it. Last evaluated 2026-02-04.

Conditions:
Hermansky-Pudlak syndrome (HPS). Also called: ALBINISM WITH HEMORRHAGIC DIATHESIS AND PIGMENTED RETICULOENDOTHELIAL CELLS. Identifiers: Orphanet 79430, MedGen C0079504, MONDO:0019312.
Hermansky-Pudlak syndrome 3 (HPS3). Identifiers: Orphanet 231512, Orphanet 79430, MedGen C3888001, MONDO:0013555, OMIM 614072.

Allele frequency attached by ClinVar (database versions not stated): gnomAD 0.00036 and 0.00061; gnomAD exomes 0.00059 and 0.00120; TOPMed 0.00071; ExAC 0.00178; 1000 Genomes Project 30x 0.00203; 1000 Genomes Project 0.00240.
gnomAD v4.1: 925 of 1,591,892 alleles (0.058%); highest among the groups gnomAD compares: East Asian, 1.9%; 6 homozygotes.

Submissions (3):

Labcorp Genetics (formerly Invitae), Labcorp
Classification: Benign. Last evaluated: 2026-02-04. Review status: criteria provided, single submitter. Criteria: Invitae Variant Classification Sherloc (09022015). Collection method: clinical testing. Allele origin: germline.

Illumina Laboratory Services, Illumina
Classification: Benign for Hermansky-Pudlak syndrome 3. Last evaluated: 2018-01-13. Review status: criteria provided, single submitter. Criteria: ICSL Variant Classification Criteria 13 December 2019. Collection method: clinical testing. Allele origin: germline.
Comment: This variant was observed in the ICSL laboratory as part of a predisposition screen in an ostensibly healthy population. It had not been previously curated by ICSL or reported in the Human Gene Mutation Database (HGMD: prior to June 1st, 2018), and was therefore a candidate for classification through an automated scoring system. Utilizing variant allele frequency, disease prevalence and penetrance estimates, and inheritance mode, an automated score was calculated to assess if this variant is too frequent to cause the disease. Based on the score and internal cut-off values, a variant classified as benign is not then subjected to further curation. The score for this variant resulted in a classification of benign for this disease.

Natera, Inc.
Classification: Likely benign for Hermansky-Pudlak syndrome. Last evaluated: 2019-10-28. Review status: no assertion criteria provided. Collection method: clinical testing. Allele origin: germline. Not counted in ClinVar's aggregate classification.